The following is an entry in ClinVar:

NM_000744.7(CHRNA4):c.797A>G (p.Tyr266Cys)

Gene: CHRNA4 (cholinergic receptor nicotinic alpha 4 subunit; minus strand). Cytogenetic location: 20q13.33.
Variant type: single nucleotide variant.
Coding change: c.797A>G on transcript NM_000744.7 (MANE Select); coding-DNA position 797, A replaced by G.
Protein change: p.Tyr266Cys; replaces tyrosine 266 with cysteine.
Molecular consequence: missense variant. On other transcripts: non-coding transcript variant (1).
Genome position (GRCh38, 1-based): chr20:63,350,614, T>C on the plus strand (A>G on the coding strand, the complement: CHRNA4 is on the minus strand). VCF-style: chr20-63350614-T-C. GRCh37 (hg19) VCF-style: chr20-61981966-T-C.
Other names: c.269A>G, p.Tyr90Cys (NM_001256573.2); short protein forms Y266C, Y90C.
Identifiers: ClinVar variation 1924229 (VCV001924229.5), dbSNP rs2123472362, ClinGen allele CA409636697.

ClinVar aggregate classification (germline): Uncertain significance (1 of 4 stars; one submission).

Conditions:
Familial sleep-related hypermotor epilepsy. Also called: Autosomal Dominant Sleep-Related Hypermotor (Hyperkinetic) Epilepsy. Identifiers: Orphanet 98784, MedGen C3696898, MONDO:0000030.

gnomAD v4.1: 1 of 1,613,732 alleles (0.000062%); no homozygotes.

Submission:

Labcorp Genetics (formerly Invitae), Labcorp
Classification: Uncertain significance. Last evaluated: 2022-06-17. Review status: criteria provided, single submitter. Criteria: Invitae Variant Classification Sherloc (09022015). Collection method: clinical testing. Allele origin: germline.
Comment: This variant is not present in population databases (gnomAD no frequency). In summary, the available evidence is currently insufficient to determine the role of this variant in disease. Therefore, it has been classified as a Variant of Uncertain Significance. Algorithms developed to predict the effect of missense changes on protein structure and function are either unavailable or do not agree on the potential impact of this missense change (SIFT: "Deleterious"; PolyPhen-2: "Probably Damaging"; Align-GVGD: "Class C0"). This missense change has been observed in at least one individual who was not affected with CHRNA4-related conditions (Invitae). This variant has not been reported in the literature in individuals affected with CHRNA4-related conditions. This sequence change replaces tyrosine, which is neutral and polar, with cysteine, which is neutral and slightly polar, at codon 266 of the CHRNA4 protein (p.Tyr266Cys).